The following is an entry in ClinVar:

ClinVar aggregate classification (germline): Uncertain significance (1 of 4 stars; one submission).

Conditions:
Deficiency of ferroxidase (ACEP). Also called: Ceruloplasmin deficiency; Familial apoceruloplasmin deficiency; Hereditary ceruloplasmin deficiency; NEURODEGENERATION WITH BRAIN IRON ACCUMULATION 10; Deficiency of ceruloplasmin; Aceruloplasminemia. Identifiers: Orphanet 48818, MedGen C0878682, MONDO:0011426, OMIM 604290, HP:0025498.

Allele frequency attached by ClinVar (database versions not stated): gnomAD exomes below 0.00001.
gnomAD v4.1: 9 of 1,614,196 alleles (0.00056%); highest among the groups gnomAD compares: Non-Finnish European, 0.00076%; no homozygotes.

Submission:

Labcorp Genetics (formerly Invitae), Labcorp
Classification: Uncertain significance for Deficiency of ferroxidase. Last evaluated: 2025-02-24. Review status: criteria provided, single submitter. Criteria: Invitae Variant Classification Sherloc (09022015). Collection method: clinical testing. Allele origin: germline.
Comment: This sequence change replaces serine, which is neutral and polar, with arginine, which is basic and polar, at codon 682 of the CP protein (p.Ser682Arg). This variant is present in population databases (rs751013436, gnomAD 0.0009%). This variant has not been reported in the literature in individuals affected with CP-related conditions. ClinVar contains an entry for this variant (Variation ID: 1482261). Invitae Evidence Modeling of protein sequence and biophysical properties (such as structural, functional, and spatial information, amino acid conservation, physicochemical variation, residue mobility, and thermodynamic stability) indicates that this missense variant is expected to disrupt CP protein function with a positive predictive value of 80%. In summary, the available evidence is currently insufficient to determine the role of this variant in disease. Therefore, it has been classified as a Variant of Uncertain Significance.

NM_000096.4(CP):c.2046T>G (p.Ser682Arg)

Gene: CP (ceruloplasmin; minus strand). Cytogenetic location: 3q24.
Variant type: single nucleotide variant.
Coding change: c.2046T>G on transcript NM_000096.4 (MANE Select); coding-DNA position 2046, T replaced by G.
Protein change: p.Ser682Arg; replaces serine 682 with arginine.
Molecular consequence: missense variant.
Genome position (GRCh38, 1-based): chr3:149,186,551, A>C on the plus strand (T>G on the coding strand, the complement: CP is on the minus strand). VCF-style: chr3-149186551-A-C. GRCh37 (hg19) VCF-style: chr3-148904338-A-C.
Other names: short protein forms S682R.
Identifiers: ClinVar variation 1482261 (VCV001482261.6), dbSNP rs751013436, ClinGen allele CA85535259.